The following is an entry in ClinVar:

ClinVar aggregate classification (germline): Pathogenic. Review status: criteria provided, multiple submitters, no conflicts (2 of 4 stars). 3 submissions from 3 submitters: Pathogenic (3). Last evaluated 2025-07-09.

Conditions:
Familial cancer of breast. Also called: Hereditary breast cancer; BREAST CANCER, FAMILIAL; hereditary breast carcinoma. Identifiers: Orphanet 227535, MedGen C0346153, MONDO:0016419, OMIM 114480. Disease mechanism: loss of function.
Hereditary cancer-predisposing syndrome. Also called: Neoplastic Syndromes, Hereditary; Tumor predisposition; Hereditary Cancer Syndrome; Hereditary neoplastic syndrome. Identifiers: Orphanet 140162, MedGen C0027672, MeSH D009386, MONDO:0015356.
Ataxia-telangiectasia syndrome (AT). Also called: Ataxia telangiectasia (A-T); Ataxia-telangiectasia, complementation group D; AT, COMPLEMENTATION GROUP C; ATAXIA-TELANGIECTASIA, COMPLEMENTATION GROUP A; Ataxia-telangiectasia, complementation group E; ATAXIA-TELANGIECTASIA, FRESNO VARIANT. Identifiers: Orphanet 100, MedGen C0004135, MONDO:0008840, OMIM 208900.

Submissions (3):

Labcorp Genetics (formerly Invitae), Labcorp
Classification: Pathogenic for Ataxia-telangiectasia syndrome. Last evaluated: 2025-07-09. Review status: criteria provided, single submitter. Criteria: Invitae Variant Classification Sherloc (09022015). Collection method: clinical testing. Allele origin: germline.
Comment: This sequence change creates a premature translational stop signal (p.Glu450Asnfs*23) in the ATM gene. It is expected to result in an absent or disrupted protein product. Loss-of-function variants in ATM are known to be pathogenic (PMID: 23807571, 25614872). This variant is not present in population databases (gnomAD no frequency). This premature translational stop signal has been observed in individual(s) with ataxia-telangiectasia (PMID: 12815592). ClinVar contains an entry for this variant (Variation ID: 566700). For these reasons, this variant has been classified as Pathogenic.

Ambry Genetics
Classification: Pathogenic for Hereditary cancer-predisposing syndrome. Last evaluated: 2025-06-09. Review status: criteria provided, single submitter. Criteria: Ambry Variant Classification Scheme 2023. Collection method: clinical testing. Allele origin: germline.
Comment: The c.1348delG pathogenic mutation, located in coding exon 9 of the ATM gene, results from a deletion of one nucleotide at nucleotide position 1348, causing a translational frameshift with a predicted alternate stop codon (p.E450Nfs*23). This alteration was identified in an individual diagnosed with ataxia telangiectasia (Mitui M et al. Hum Mutat, 2003 Jul;22:43-50). Additionally, this alteration was identified in 0/3030 pancreatic cancer cases and 1/123136 population controls (Hu C et al. JAMA, 2018 06;319:2401-2409). This variant is considered to be rare based on population cohorts in the Genome Aggregation Database (gnomAD). In addition to the clinical data presented in the literature, this alteration is expected to result in loss of function by premature protein truncation or nonsense-mediated mRNA decay. As such, this alteration is interpreted as a disease-causing mutation.

Myriad Genetics, Inc.
Classification: Pathogenic for Familial cancer of breast. Last evaluated: 2024-01-16. Review status: criteria provided, single submitter. Criteria: Myriad Autosomal Dominant, Autosomal Recessive and X-Linked Classification Criteria (2023). Collection method: clinical testing. Allele origin: unknown.
Comment: This variant is considered pathogenic. This variant creates a frameshift predicted to result in premature protein truncation.

Literature cited by the submitters: PubMed 23807571 (cited by Labcorp Genetics (formerly Invitae), Labcorp); PubMed 25614872 (cited by Labcorp Genetics (formerly Invitae), Labcorp); PubMed 12815592 (cited by Labcorp Genetics (formerly Invitae), Labcorp and Ambry Genetics); PubMed 29922827 (cited by Ambry Genetics).

NM_000051.4(ATM):c.1348del (p.Glu450fs)

Gene: ATM (ATM serine/threonine kinase; plus strand). Cytogenetic location: 11q22.3.
Variant type: Deletion.
Coding change: c.1348del on transcript NM_000051.4 (MANE Select); coding-DNA position 1348, one base deleted (G; older notation c.1348delG).
Protein change: p.Glu450fs; shifts the reading frame from glutamic acid 450.
Molecular consequence: frameshift variant.
Genome position (GRCh38, 1-based): chr11:108,250,813, G deleted; the last of 4 consecutive G bases (chr11:108,250,810-108,250,813); deleting any one gives the same sequence. VCF-style (leftmost placement, unchanged base first): chr11-108250809-TG-T. GRCh37 (hg19) VCF-style: chr11-108121536-TG-T.
Other names: c.1348del, p.Glu450fs (NM_001351834.2); c.1348delG (NM_000051.3); short protein forms E450fs.
Identifiers: ClinVar variation 566700 (VCV000566700.13), dbSNP rs758004668, ClinGen allele CA6264803.